The following is an entry in ClinVar:

ClinVar aggregate classification (germline): Uncertain significance (1 of 4 stars; one submission).

Submission:

CeGaT Center for Human Genetics Tuebingen
Classification: Uncertain significance. Last evaluated: 2022-08-01. Review status: criteria provided, single submitter. Criteria: CeGaT Center For Human Genetics Tuebingen Variant Classification Criteria Version 2. Collection method: clinical testing. Allele origin: germline. Affected: yes. Observed: 1 variant allele.
Comment: PIEZO1: PM2, BP4

NM_001142864.4(PIEZO1):c.1918G>A (p.Val640Ile)

Genes: HSALR1 (HSP90AB1 associated lncRNA 1; plus strand), PIEZO1 (piezo type mechanosensitive ion channel component 1 (Er blood group); minus strand). Cytogenetic location: 16q24.3.
Variant type: single nucleotide variant.
Coding change: c.1918G>A on transcript NM_001142864.4 (MANE Select); coding-DNA position 1918, G replaced by A.
Protein change: p.Val640Ile; replaces valine 640 with isoleucine.
Molecular consequence: missense variant.
Genome position (GRCh38, 1-based): chr16:88,734,729, C>T on the plus strand (G>A on the coding strand, the complement: PIEZO1 is on the minus strand). VCF-style: chr16-88734729-C-T. GRCh37 (hg19) VCF-style: chr16-88801137-C-T.
Other names: c.463G>A, p.Val155Ile (NM_014745.1); short protein forms V155I, V640I.
Identifiers: ClinVar variation 2647002 (VCV002647002.24), dbSNP rs2507910689, ClinGen allele CA397114742.
Genomic context (GRCh38, chr16:88,734,729, plus strand): 5'-TGAGGTTGCGCCAGTAGGCAGGGAAGTCCTGGAACTGGAAGGTGTAGACGGCGATGAGGA[C>T]CAGCATGGTGTAGGCCACCACGAGCCACCAGAAGGCCTTGAGCAGCTTCCGCCACAGGCT-3'
Protein context (NP_001136336.2, residues 630-650): WWLVVAYTML[Val640Ile]LIAVYTFQFQ